The following is an entry in ClinVar:

NM_005560.6(LAMA5):c.10022A>C (p.Tyr3341Ser)

Gene: LAMA5 (laminin subunit alpha 5; minus strand). Cytogenetic location: 20q13.33.
Variant type: single nucleotide variant.
Coding change: c.10022A>C on transcript NM_005560.6 (MANE Select); coding-DNA position 10022, A replaced by C.
Protein change: p.Tyr3341Ser; replaces tyrosine 3341 with serine.
Molecular consequence: missense variant.
Genome position (GRCh38, 1-based): chr20:62,311,228, T>G on the plus strand (A>C on the coding strand, the complement: LAMA5 is on the minus strand). VCF-style: chr20-62311228-T-G. GRCh37 (hg19) VCF-style: chr20-60886284-T-G.
Other names: short protein forms Y3341S.
Identifiers: ClinVar variation 1998226 (VCV001998226.4), dbSNP rs2516640474, ClinGen allele CA409538519.

ClinVar aggregate classification (germline): Uncertain significance (1 of 4 stars; one submission).

Submission:

Labcorp Genetics (formerly Invitae), Labcorp
Classification: Uncertain significance. Last evaluated: 2022-05-24. Review status: criteria provided, single submitter. Criteria: Invitae Variant Classification Sherloc (09022015). Collection method: clinical testing. Allele origin: germline.
Comment: Algorithms developed to predict the effect of missense changes on protein structure and function (SIFT, PolyPhen-2, Align-GVGD) all suggest that this variant is likely to be tolerated. This variant has not been reported in the literature in individuals affected with LAMA5-related conditions. This variant is not present in population databases (gnomAD no frequency). This sequence change replaces tyrosine, which is neutral and polar, with serine, which is neutral and polar, at codon 3341 of the LAMA5 protein (p.Tyr3341Ser). In summary, the available evidence is currently insufficient to determine the role of this variant in disease. Therefore, it has been classified as a Variant of Uncertain Significance.